The following is an entry in ClinVar:

ClinVar aggregate classification (germline): Uncertain significance (1 of 4 stars; one submission).

Conditions:
Hereditary cancer-predisposing syndrome. Also called: Tumor predisposition; Neoplastic Syndromes, Hereditary; Hereditary neoplastic syndrome; Hereditary Cancer Syndrome. Identifiers: Orphanet 140162, MedGen C0027672, MeSH D009386, MONDO:0015356.

Submission:

Ambry Genetics
Classification: Uncertain significance for Hereditary cancer-predisposing syndrome. Last evaluated: 2025-09-12. Review status: criteria provided, single submitter. Criteria: Ambry Variant Classification Scheme 2023. Collection method: clinical testing. Allele origin: germline.
Comment: The p.T995N variant (also known as c.2984C>A), located in coding exon 13 of the MET gene, results from a C to A substitution at nucleotide position 2984. The threonine at codon 995 is replaced by asparagine, an amino acid with similar properties. This amino acid position is conserved. In addition, this alteration is predicted to be tolerated by in silico analysis. Based on the available evidence, the clinical significance of this variant remains unclear.

NM_000245.4(MET):c.2930C>A (p.Thr977Asn)

Gene: MET (MET proto-oncogene, receptor tyrosine kinase; plus strand). Cytogenetic location: 7q31.2.
Variant type: single nucleotide variant.
Coding change: c.2930C>A on transcript NM_000245.4 (MANE Select); coding-DNA position 2930, C replaced by A.
Protein change: p.Thr977Asn; replaces threonine 977 with asparagine.
Molecular consequence: missense variant.
Genome position (GRCh38, 1-based): chr7:116,771,891, C>A. VCF-style: chr7-116771891-C-A. GRCh37 (hg19) VCF-style: chr7-116411945-C-A.
Other names: c.2984C>A, p.Thr995Asn (NM_001127500.3); c.1640C>A, p.Thr547Asn (NM_001324402.2); short protein forms T995N, T547N, T977N.
Identifiers: ClinVar variation 4106813 (VCV004106813.1).
Genomic context (GRCh38, chr7:116,771,891, plus strand): 5'-CTTTCTCTCTGTTTTAAGATCTGGGCAGTGAATTAGTTCGCTACGATGCAAGAGTACACA[C>A]TCCTCATTTGGATAGGCTTGTAAGTGCCCGAAGTGTAAGCCCAACTACAGAAATGGTTTC-3'
Protein context (NP_000236.2, residues 967-987): ELVRYDARVH[Thr977Asn]PHLDRLVSAR